The following is an entry in ClinVar:

ClinVar aggregate classification (germline): Uncertain significance. Review status: criteria provided, multiple submitters, no conflicts (2 of 4 stars). 2 submissions from 2 submitters: Uncertain significance (2). Last evaluated 2025-08-29.

Conditions:
Inborn genetic diseases. Identifiers: MedGen C0950123, MeSH D030342.
Developmental and epileptic encephalopathy, 14 (DEE14). Also called: Early infantile epileptic encephalopathy 14. Identifiers: Orphanet 293181, MedGen C3554195, MONDO:0013989, OMIM 614959.
Autosomal dominant nocturnal frontal lobe epilepsy 5. Also called: KCNT1-Related Epilepsy; CILIARY DYSKINESIA, PRIMARY, 28, WITH SITUS INVERSUS; Epilepsy, nocturnal frontal lobe, 5; CILIARY DYSKINESIA, PRIMARY, 28, WITHOUT SITUS INVERSUS. Identifiers: Orphanet 98784, MedGen C3554306, MONDO:0014002, OMIM 615005.

Allele frequency attached by ClinVar (database versions not stated): gnomAD 0.00001; TOPMed 0.00001.
gnomAD v4.1: 7 of 1,525,574 alleles (0.00046%); highest among the groups gnomAD compares: South Asian, 0.0013%; no homozygotes.

Submissions (2):

Labcorp Genetics (formerly Invitae), Labcorp
Classification: Uncertain significance for Autosomal dominant nocturnal frontal lobe epilepsy 5; Developmental and epileptic encephalopathy, 14. Last evaluated: 2025-08-29. Review status: criteria provided, single submitter. Criteria: Invitae Variant Classification Sherloc (09022015). Collection method: clinical testing. Allele origin: germline.
Comment: This sequence change replaces serine, which is neutral and polar, with leucine, which is neutral and non-polar, at codon 739 of the KCNT1 protein (p.Ser739Leu). This variant is not present in population databases (gnomAD no frequency). This variant has not been reported in the literature in individuals affected with KCNT1-related conditions. ClinVar contains an entry for this variant (Variation ID: 1426929). Invitae Evidence Modeling of protein sequence and biophysical properties (such as structural, functional, and spatial information, amino acid conservation, physicochemical variation, residue mobility, and thermodynamic stability) indicates that this missense variant is not expected to disrupt KCNT1 protein function with a negative predictive value of 95%. In summary, the available evidence is currently insufficient to determine the role of this variant in disease. Therefore, it has been classified as a Variant of Uncertain Significance.

Ambry Genetics
Classification: Uncertain significance for Inborn genetic diseases. Last evaluated: 2025-04-11. Review status: criteria provided, single submitter. Criteria: Ambry Variant Classification Scheme 2023. Collection method: clinical testing. Allele origin: germline.

NM_020822.3(KCNT1):c.2216C>T (p.Ser739Leu)

Gene: KCNT1 (potassium sodium-activated channel subfamily T member 1; plus strand). Cytogenetic location: 9q34.3.
Variant type: single nucleotide variant.
Coding change: c.2216C>T on transcript NM_020822.3 (MANE Select); coding-DNA position 2216, C replaced by T.
Protein change: p.Ser739Leu; replaces serine 739 with leucine.
Molecular consequence: missense variant.
Genome position (GRCh38, 1-based): chr9:135,772,922, C>T. VCF-style: chr9-135772922-C-T. GRCh37 (hg19) VCF-style: chr9-138664768-C-T.
Other names: c.2216C>T (NM_020822.2); c.2081C>T, p.Ser694Leu (NM_001272003.2); short protein forms S694L, S739L.
Identifiers: ClinVar variation 1426929 (VCV001426929.7), dbSNP rs1163455129, ClinGen allele CA375511175.
Genomic context (GRCh38, chr9:135,772,922, plus strand): 5'-GCTCAGCCCTGCTGCCCTGCGACCTGCTGAGCGACCAGTCGGAGGATGAGGTGACGCCGT[C>T]GGACGACGAGGGGCTCTCCGTGGTAGAGTGAGTGCTGCCTTGGAGACGGCTCCCAGTGGG-3'
Protein context (NP_065873.2, residues 729-749): SDQSEDEVTP[Ser739Leu]DDEGLSVVEY